The following is an entry in ClinVar:

NM_006261.5(PROP1):c.151G>C (p.Gly51Arg)

Gene: PROP1 (PROP paired-like homeobox 1; minus strand). Cytogenetic location: 5q35.3.
Variant type: single nucleotide variant.
Coding change: c.151G>C on transcript NM_006261.5 (MANE Select); coding-DNA position 151, G replaced by C.
Protein change: p.Gly51Arg; replaces glycine 51 with arginine.
Molecular consequence: missense variant.
Genome position (GRCh38, 1-based): chr5:177,994,297, C>G on the plus strand (G>C on the coding strand, the complement: PROP1 is on the minus strand). VCF-style: chr5-177994297-C-G. GRCh37 (hg19) VCF-style: chr5-177421298-C-G.
Other names: short protein forms G51R.
Identifiers: ClinVar variation 4887418 (VCV004887418.1).
Genomic context (GRCh38, chr5:177,994,297, plus strand): 5'-GGCGCCGGGAGTGCGGGCGGCCCCTCTGTCCTCCTTGCGGGGAGAACCTTGATCTCCCCC[C>G]TCCTGCACCAGGGAGCCTTCTGCAGGGTGGAGCACTCGAGTCTGAGAACGGAGAGAAGGG-3'
Protein context (NP_006252.4, residues 41-61): PPCRRLPGAG[Gly51Arg]GRSRFSPQGG

ClinVar aggregate classification (germline): Uncertain significance (1 of 4 stars; one submission).

gnomAD v4.1: 23 of 1,611,834 alleles (0.0014%); highest among the groups gnomAD compares: Middle Eastern, 0.016%; no homozygotes.

Submission:

Women's Health and Genetics/Laboratory Corporation of America, LabCorp
Classification: Uncertain significance. Last evaluated: 2026-06-09. Review status: criteria provided, single submitter. Criteria: LabCorp Variant Classification Summary - May 2015. Collection method: clinical testing. Allele origin: germline.
Comment: Variant summary: PROP1 c.151G>C (p.Gly51Arg) results in a non-conservative amino acid change in the encoded protein sequence. Algorithms developed to predict the effect of missense changes on protein structure and function are either unavailable or do not agree on the potential impact of this missense change. The variant allele was found at a frequency of 1.2e-05 in 243216 control chromosomes. The available data on variant occurrences in the general population are insufficient to allow any conclusion about variant significance. To our knowledge, no occurrence of c.151G>C in individuals affected with PROP1-related conditions and no experimental evidence demonstrating its impact on protein function have been reported. No submitters have cited clinical-significance assessments for this variant to ClinVar. Based on the evidence outlined above, the variant was classified as uncertain significance.